The following is an entry in ClinVar:

NM_003611.3(OFD1):c.2362T>C (p.Ser788Pro)

Gene: OFD1 (OFD1 centriole and centriolar satellite protein; plus strand). Cytogenetic location: Xp22.2.
Variant type: single nucleotide variant.
Coding change: c.2362T>C on transcript NM_003611.3 (MANE Select); coding-DNA position 2362, T replaced by C.
Protein change: p.Ser788Pro; replaces serine 788 with proline.
Molecular consequence: missense variant.
Genome position (GRCh38, 1-based): chrX:13,761,186, T>C. VCF-style: chrX-13761186-T-C. GRCh37 (hg19) VCF-style: chrX-13779305-T-C.
Other names: c.2242T>C, p.Ser748Pro (NM_001330209.2, NM_001440948.1); c.1942T>C, p.Ser648Pro (NM_001330210.2); c.2362T>C, p.Ser788Pro (NM_001440947.1); short protein forms S648P, S748P, S788P.
Identifiers: ClinVar variation 4783321 (VCV004783321.1).

ClinVar aggregate classification (germline): Uncertain significance (1 of 4 stars; one submission).

Conditions:
Joubert syndrome. Also called: Familial aplasia of the vermis; JOUBERT-BOLTSHAUSER SYNDROME; CEREBELLOPARENCHYMAL DISORDER IV. Identifiers: Orphanet 475, MedGen C5979921, MONDO:0018772.
Orofaciodigital syndrome I (OFD1). Also called: Papillon-Leage and Psaume Syndrome; OFDS I; Oral-Facial-Digital Syndrome Type I. Identifiers: Orphanet 2750, MedGen C1510460, MONDO:0010702, OMIM 311200.

gnomAD v4.1: 3 of 1,210,951 alleles (0.00025%); highest among the groups gnomAD compares: Non-Finnish European, 0.00034%; no homozygotes.

Submission:

Labcorp Genetics (formerly Invitae), Labcorp
Classification: Uncertain significance for Orofaciodigital syndrome I; Joubert syndrome. Last evaluated: 2025-11-27. Review status: criteria provided, single submitter. Criteria: Invitae Variant Classification Sherloc (09022015). Collection method: clinical testing. Allele origin: germline.
Comment: This sequence change replaces serine, which is neutral and polar, with proline, which is neutral and non-polar, at codon 788 of the OFD1 protein (p.Ser788Pro). This variant is present in population databases (no rsID available, gnomAD 0.001%). This variant has not been reported in the literature in individuals affected with OFD1-related conditions. Invitae Evidence Modeling of protein sequence and biophysical properties (such as structural, functional, and spatial information, amino acid conservation, physicochemical variation, residue mobility, and thermodynamic stability) indicates that this missense variant is not expected to disrupt OFD1 protein function with a negative predictive value of 80%. In summary, the available evidence is currently insufficient to determine the role of this variant in disease. Therefore, it has been classified as a Variant of Uncertain Significance.